The following is an entry in ClinVar:

ClinVar aggregate classification (germline): Uncertain significance. Review status: criteria provided, multiple submitters, no conflicts (2 of 4 stars). 2 submissions from 2 submitters: Uncertain significance (2). Last evaluated 2024-09-13.

Conditions:
Diffuse cerebral and cerebellar atrophy - intractable seizures - progressive microcephaly syndrome. Also called: Microcephaly, progressive, with seizures and cerebral and cerebellar atrophy. Identifiers: Orphanet 404437, MedGen C4014239, MONDO:0014335, OMIM 615760.

Allele frequency attached by ClinVar (database versions not stated): TOPMed 0.00009; gnomAD 0.00012; 1000 Genomes Project 30x 0.00031; 1000 Genomes Project 0.00040.
gnomAD v4.1: 25 of 1,614,230 alleles (0.0015%); highest among the groups gnomAD compares: African/African-American, 0.032%; no homozygotes.

Submissions (2):

GeneDx
Classification: Uncertain significance. Last evaluated: 2024-09-13. Review status: criteria provided, single submitter. Criteria: GeneDx Variant Classification Process June 2021. Collection method: clinical testing. Allele origin: germline. Affected: yes.
Comment: In silico analysis supports a deleterious effect on splicing; Has not been previously published as pathogenic or benign to our knowledge

Labcorp Genetics (formerly Invitae), Labcorp
Classification: Uncertain significance for Diffuse cerebral and cerebellar atrophy - intractable seizures - progressive microcephaly syndrome. Last evaluated: 2022-08-23. Review status: criteria provided, single submitter. Criteria: Invitae Variant Classification Sherloc (09022015). Collection method: clinical testing. Allele origin: germline.
Comment: This sequence change falls in intron 21 of the QARS gene. It does not directly change the encoded amino acid sequence of the QARS protein. This variant is present in population databases (rs549153964, gnomAD 0.03%). This variant has not been reported in the literature in individuals affected with QARS-related conditions. ClinVar contains an entry for this variant (Variation ID: 1385220). Algorithms developed to predict the effect of sequence changes on RNA splicing suggest that this variant may create or strengthen a splice site. In summary, the available evidence is currently insufficient to determine the role of this variant in disease. Therefore, it has been classified as a Variant of Uncertain Significance.

NM_005051.3(QARS1):c.2085-12C>G

Gene: QARS1 (glutaminyl-tRNA synthetase 1; minus strand). Cytogenetic location: 3p21.31.
Variant type: single nucleotide variant.
Coding change: c.2085-12C>G on transcript NM_005051.3 (MANE Select); 12 bases into the intron before coding-DNA position 2085, C replaced by G.
Molecular consequence: intron variant.
Genome position (GRCh38, 1-based): chr3:49,098,270, G>C on the plus strand (C>G on the coding strand, the complement: QARS1 is on the minus strand). VCF-style: chr3-49098270-G-C. GRCh37 (hg19) VCF-style: chr3-49135703-G-C.
Other names: c.2052-12C>G (NM_001272073.2).
Identifiers: ClinVar variation 1385220 (VCV001385220.4), dbSNP rs549153964, ClinGen allele CA2391519.